The following is an entry in ClinVar:

NM_015533.4(TKFC):c.1207G>A (p.Asp403Asn)

Gene: TKFC (triokinase and FMN cyclase; plus strand). Cytogenetic location: 11q12.2.
Variant type: single nucleotide variant.
Coding change: c.1207G>A on transcript NM_015533.4 (MANE Select); coding-DNA position 1207, G replaced by A.
Protein change: p.Asp403Asn; replaces aspartic acid 403 with asparagine.
Molecular consequence: missense variant.
Genome position (GRCh38, 1-based): chr11:61,344,240, G>A. VCF-style: chr11-61344240-G-A. GRCh37 (hg19) VCF-style: chr11-61111712-G-A.
Other names: c.1207G>A, p.Asp403Asn (NM_001351976.2, NM_001351977.2, NM_001351978.2 and 1 more transcripts); c.997G>A, p.Asp333Asn (NM_001351980.2); short protein forms D403N, D333N.
Identifiers: ClinVar variation 2371668 (VCV002371668.5), dbSNP rs754625426, ClinGen allele CA6034004.
Genomic context (GRCh38, chr11:61,344,240, plus strand): 5'-AGCACTCTCCTGGGCCTGGAGGAACACCTGAATGCCCTGGACCGGGCTGCTGGTGACGGC[G>A]ACTGTGGCACCACCCACAGCCGTGCGGCCAGAGGTTGGTGCCAGGGACTTTGCCAAGTGA-3'
Protein context (NP_056348.2, residues 393-413): NALDRAAGDG[Asp403Asn]CGTTHSRAAR

ClinVar aggregate classification (germline): Uncertain significance. Review status: criteria provided, multiple submitters, no conflicts (2 of 4 stars). 3 submissions from 3 submitters: Uncertain significance (3). Last evaluated 2025-09-10.

Conditions:
Triokinase and FMN cyclase deficiency syndrome. Identifiers: MedGen C5394125, MONDO:0032927, OMIM 618805.

Allele frequency attached by ClinVar (database versions not stated): ExAC 0.00001; gnomAD 0.00001; TOPMed 0.00002.
gnomAD v4.1: 39 of 1,612,726 alleles (0.0024%); highest among the groups gnomAD compares: Middle Eastern, 0.018%; no homozygotes.

Submissions (3):

Genomic Medicine Center of Excellence, King Faisal Specialist Hospital and Research Centre
Classification: Uncertain significance for Triokinase and FMN cyclase deficiency syndrome. Last evaluated: 2025-09-10. Review status: criteria provided, single submitter. Criteria: ACMG Guidelines, 2015. Collection method: clinical testing. Allele origin: germline.

Ambry Genetics
Classification: Uncertain significance. Last evaluated: 2022-12-28. Review status: criteria provided, single submitter. Criteria: Ambry Variant Classification Scheme 2023. Collection method: clinical testing. Allele origin: germline.

Juno Genomics, Hangzhou Juno Genomics, Inc
Classification: Uncertain significance for Triokinase and FMN cyclase deficiency syndrome. Review status: criteria provided, single submitter. Criteria: ACMG Guidelines, 2015. Collection method: clinical testing. Allele origin: germline.
Comment: Absent from controls (or at extremely low frequency if recessive) in Genome Aggregation Database.